The following is an entry in ClinVar:

ClinVar aggregate classification (germline): Uncertain significance. Review status: criteria provided, single submitter (1 of 4 stars). 2 submissions from 2 submitters: Uncertain significance (1). 1 of the submissions does not count toward it. Last evaluated 2023-06-05.

Conditions:
Otospondylomegaepiphyseal dysplasia, autosomal dominant (OSMEDA). Also called: Stickler syndrome, type 3; COL11A2-Related Stickler Syndrome; Pierre Robin syndrome with fetal chondrodysplasia. Identifiers: Orphanet 166100, Orphanet 3450, MedGen C1848488, MONDO:0008490, OMIM 184840.

Submissions (2):

GeneDx
Classification: Uncertain significance. Last evaluated: 2023-06-05. Review status: criteria provided, single submitter. Criteria: GeneDx Variant Classification Process June 2021. Collection method: clinical testing. Allele origin: germline. Affected: yes.
Comment: Not observed at significant frequency in large population cohorts (gnomAD); Has not been previously published as pathogenic or benign to our knowledge; In silico analysis supports that this variant does not alter splicing

Joe DiMaggio Children's Hospital, Memorial Healthcare System
Classification: Likely pathogenic for Otospondylomegaepiphyseal dysplasia, autosomal dominant. Last evaluated: 2023-08-08. Review status: no assertion criteria provided. Collection method: clinical testing. Allele origin: paternal. Inheritance: Autosomal dominant inheritance. Affected: yes. Observed: 3 variant alleles, 3 heterozygotes. Not counted in ClinVar's aggregate classification.
Comment: The c.3582+4 A>G:p.? variant in COL11A2 gene has been reported in two brothers and their father with autosomal dominant bilateral sensorineural hearing loss and clinical suspicion of Stickler Syndrome Type III, segregated with the disease in the paternal family history, and was not observed at significant frequency in large population cohorts (gnomAD). Additionally, GeneDx in silico analysis supports a deleterious effect on splicing. Heterozygous variants in COL11A2 have been reported in autosomal dominant Stickler syndrome type 3, also called non-ocular Stickler syndrome, characterized by absent ocular features, conductive and sensorineural hearing loss, mid-face hypoplasia, cleft palate, mild spondyloepiphyseal dysplasia and/or premature osteoarthritis (Iwasa Y et al. (2015). In summary, the c.3582+4 A>G:p.?variant is suggested to be likely pathogenic based on segregation studies and in silico analysis.

Literature cited by the submitters: PubMed 25780254 (cited by Joe DiMaggio Children's Hospital, Memorial Healthcare System).

NM_080680.3(COL11A2):c.3582+4A>G

Gene: COL11A2 (collagen type XI alpha 2 chain; minus strand). Cytogenetic location: 6p21.32.
Variant type: single nucleotide variant.
Coding change: c.3582+4A>G on transcript NM_080680.3 (MANE Select); 4 bases into the intron after coding-DNA position 3582, A replaced by G.
Molecular consequence: intron variant.
Genome position (GRCh38, 1-based): chr6:33,170,322, T>C on the plus strand (A>G on the coding strand, the complement: COL11A2 is on the minus strand). VCF-style: chr6-33170322-T-C. GRCh37 (hg19) VCF-style: chr6-33138099-T-C.
Other names: c.3582+4A>G (NM_080680.2); c.3261+4A>G (NM_080679.3); c.3324+4A>G (NM_080681.3).
Identifiers: ClinVar variation 2504976 (VCV002504976.3), dbSNP rs2534769828, ClinGen allele CA2580614860.